The following is an entry in ClinVar:

NM_001379029.1(CERT1):c.1633G>A (p.Val545Ile)

Gene: CERT1 (ceramide transporter 1; minus strand). Cytogenetic location: 5q13.3.
Variant type: single nucleotide variant.
Coding change: c.1633G>A on transcript NM_001379029.1 (MANE Select); coding-DNA position 1633, G replaced by A.
Protein change: p.Val545Ile; replaces valine 545 with isoleucine.
Molecular consequence: missense variant.
Genome position (GRCh38, 1-based): chr5:75,381,186, C>T on the plus strand (G>A on the coding strand, the complement: CERT1 is on the minus strand). VCF-style: chr5-75381186-C-T. GRCh37 (hg19) VCF-style: chr5-74677011-C-T.
Other names: c.2017G>A, p.Val673Ile (NM_001130105.1); c.1633G>A, p.Val545Ile (NM_001379002.1, NM_005713.3); c.1555G>A, p.Val519Ile (NM_001379003.1, NM_001379004.1, NM_031361.3); short protein forms V519I, V545I, V673I.
Identifiers: ClinVar variation 3370941 (VCV003370941.1).

ClinVar aggregate classification (germline): Uncertain significance (1 of 4 stars; one submission).

Submission:

GeneDx
Classification: Uncertain significance. Last evaluated: 2024-03-21. Review status: criteria provided, single submitter. Criteria: GeneDx Variant Classification Process June 2021. Collection method: clinical testing. Allele origin: germline. Affected: yes.
Comment: Not observed at significant frequency in large population cohorts (gnomAD); In silico analysis supports that this missense variant does not alter protein structure/function; Has not been previously published as pathogenic or benign to our knowledge